The following is an entry in ClinVar:

ClinVar aggregate classification (germline): Likely benign (0 of 4 stars; one submission).

Conditions:
SSH1-related disorder. Also called: SSH1-related condition.

Allele frequency attached by ClinVar (database versions not stated): 1000 Genomes Project 30x 0.00078.
gnomAD v4.1: 283 of 1,132,538 alleles (0.025%); highest among the groups gnomAD compares: African/African-American, 0.35%; no homozygotes.

Submission:

PreventionGenetics, part of Exact Sciences
Classification: Likely benign for SSH1-related condition. Last evaluated: 2022-05-31. Review status: no assertion criteria provided. Collection method: clinical testing. Allele origin: germline.
Comment: This variant is classified as likely benign based on ACMG/AMP sequence variant interpretation guidelines (Richards et al. 2015 PMID: 25741868, with internal and published modifications).

NM_018984.4(SSH1):c.-7C>G

Genes: SSH1 (slingshot protein phosphatase 1; minus strand), LOC130008710 (ATAC-STARR-seq lymphoblastoid silent region 4837; plus strand). Cytogenetic location: 12q24.11.
Variant type: single nucleotide variant.
Coding change: c.-7C>G on transcript NM_018984.4 (MANE Select); 7 bases upstream of the start codon, C replaced by G.
Molecular consequence: 5 prime UTR variant.
Genome position (GRCh38, 1-based): chr12:108,857,503, G>C on the plus strand (C>G on the coding strand, the complement: SSH1 is on the minus strand). VCF-style: chr12-108857503-G-C. GRCh37 (hg19) VCF-style: chr12-109251279-G-C.
Other names: c.-7C>G (NM_001161330.2).
Identifiers: ClinVar variation 3053765 (VCV003053765.2), dbSNP rs774022680, ClinGen allele CA6770847.